The following is an entry in ClinVar:

NM_004186.5(SEMA3F):c.605C>T (p.Pro202Leu)

Gene: SEMA3F (semaphorin 3F; plus strand). Cytogenetic location: 3p21.31.
Variant type: single nucleotide variant.
Coding change: c.605C>T on transcript NM_004186.5 (MANE Select); coding-DNA position 605, C replaced by T.
Protein change: p.Pro202Leu; replaces proline 202 with leucine.
Molecular consequence: missense variant.
Genome position (GRCh38, 1-based): chr3:50,176,823, C>T. VCF-style: chr3-50176823-C-T. GRCh37 (hg19) VCF-style: chr3-50214256-C-T.
Other names: c.308C>T, p.Pro103Leu (NM_001318798.2); c.512C>T, p.Pro171Leu (NM_001318800.2); short protein forms P202L, P171L, P103L.
Identifiers: ClinVar variation 4986412 (VCV004986412.1).

ClinVar aggregate classification (germline): Uncertain significance (1 of 4 stars; one submission).

Conditions:
SEMA3F-related disorder. Also called: SEMA3F-related condition.

gnomAD v4.1: 2 of 1,613,730 alleles (0.00012%); highest among the groups gnomAD compares: East Asian, 0.0022%; no homozygotes.

Submission:

PreventionGenetics, part of Exact Sciences
Classification: Uncertain significance for SEMA3F-related condition. Last evaluated: 2026-09-02. Review status: criteria provided, single submitter. Criteria: ACMG Guidelines, 2015. Collection method: clinical testing. Allele origin: germline.
Comment: The SEMA3F c.605C>T variant is predicted to result in the amino acid substitution p.Pro202Leu. To our knowledge, this variant has not been reported in the literature. This variant is reported in 0.0033% of alleles in individuals of South Asian descent in gnomAD. At this time, the clinical significance of this variant is uncertain due to the absence of conclusive functional and genetic evidence.